The following is an entry in ClinVar:

ClinVar aggregate classification (germline): Conflicting classifications of pathogenicity. Review status: criteria provided, conflicting classifications (1 of 4 stars). 3 submissions from 3 submitters: Likely pathogenic (1); Uncertain significance (1). 1 of the submissions does not count toward it. Last evaluated 2026-09-14.

Conditions:
Hypertrophic cardiomyopathy. Also called: HYPERTROPHIC MYOCARDIOPATHY. Identifiers: Orphanet 217569, MedGen C0007194, MeSH D002312, MONDO:0005045, HP:0001639.

Submissions (3):

GeneDx
Classification: Likely pathogenic. Last evaluated: 2026-09-14. Review status: criteria provided, single submitter. Criteria: GeneDx Variant Classification Process June 2021. Collection method: clinical testing. Allele origin: germline.
Comment: Not observed at significant frequency in large population cohorts (gnomAD); In silico analysis supports that this missense variant has a deleterious effect on protein structure/function; This variant is associated with the following publications: (PMID: 20378854, 27532257, 37652022)

Labcorp Genetics (formerly Invitae), Labcorp
Classification: Uncertain significance for Hypertrophic cardiomyopathy. Last evaluated: 2024-01-21. Review status: criteria provided, single submitter. Criteria: Invitae Variant Classification Sherloc (09022015). Collection method: clinical testing. Allele origin: germline.
Comment: This sequence change replaces arginine, which is basic and polar, with leucine, which is neutral and non-polar, at codon 502 of the MYBPC3 protein (p.Arg502Leu). This variant is not present in population databases (gnomAD no frequency). This missense change has been observed in individual(s) with MYBPC3-related conditions (PMID: 27532257). ClinVar contains an entry for this variant (Variation ID: 164112). An algorithm developed to predict the effect of missense changes on protein structure and function (PolyPhen-2) suggests that this variant is likely to be disruptive. This variant disrupts the p.Arg502 amino acid residue in MYBPC3. Other variant(s) that disrupt this residue have been determined to be pathogenic (PMID: 9562578, 22386539). This suggests that this residue is clinically significant, and that variants that disrupt this residue are likely to be disease-causing. In summary, the available evidence is currently insufficient to determine the role of this variant in disease. Therefore, it has been classified as a Variant of Uncertain Significance.

Laboratory for Molecular Medicine, Mass General Brigham Personalized Medicine
Classification: Uncertain significance. Last evaluated: 2013-02-11. Review status: no assertion criteria provided. Collection method: clinical testing. Allele origin: germline. Observed: 1 variant allele. Not counted in ClinVar's aggregate classification.
Comment: proposed classification - variant undergoing re-assessment, contact laboratory

Literature cited by the submitters: PubMed 27532257 (cited by Labcorp Genetics (formerly Invitae), Labcorp); PubMed 9562578 (cited by Labcorp Genetics (formerly Invitae), Labcorp); PubMed 22386539 (cited by Labcorp Genetics (formerly Invitae), Labcorp).

NM_000256.3(MYBPC3):c.1505G>T (p.Arg502Leu)

Gene: MYBPC3 (myosin binding protein C3; minus strand). Cytogenetic location: 11p11.2.
Variant type: single nucleotide variant.
Coding change: c.1505G>T on transcript NM_000256.3 (MANE Select); coding-DNA position 1505, G replaced by T.
Protein change: p.Arg502Leu; replaces arginine 502 with leucine.
Molecular consequence: missense variant.
Genome position (GRCh38, 1-based): chr11:47,342,697, C>A on the plus strand (G>T on the coding strand, the complement: MYBPC3 is on the minus strand). VCF-style: chr11-47342697-C-A. GRCh37 (hg19) VCF-style: chr11-47364248-C-A.
Other names: short protein forms R502L.
Identifiers: ClinVar variation 164112 (VCV000164112.10), dbSNP rs397515907, ClinGen allele CA010518.